The following is an entry in ClinVar:

NM_022726.4(ELOVL4):c.464C>T (p.Ser155Phe)

Gene: ELOVL4 (ELOVL fatty acid elongase 4; minus strand). Cytogenetic location: 6q14.1.
Variant type: single nucleotide variant.
Coding change: c.464C>T on transcript NM_022726.4 (MANE Select); coding-DNA position 464, C replaced by T.
Protein change: p.Ser155Phe; replaces serine 155 with phenylalanine.
Molecular consequence: missense variant.
Genome position (GRCh38, 1-based): chr6:79,921,702, G>A on the plus strand (C>T on the coding strand, the complement: ELOVL4 is on the minus strand). VCF-style: chr6-79921702-G-A. GRCh37 (hg19) VCF-style: chr6-80631419-G-A.
Other names: short protein forms S155F.
Identifiers: ClinVar variation 4282358 (VCV004282358.2).

ClinVar aggregate classification (germline): Uncertain significance (1 of 4 stars; one submission).

Submission:

GeneDx
Classification: Uncertain significance. Last evaluated: 2026-03-24. Review status: criteria provided, single submitter. Criteria: GeneDx Variant Classification Process June 2021. Collection method: clinical testing. Allele origin: germline.
Comment: Not observed at significant frequency in large population cohorts (gnomAD); In silico analysis supports that this missense variant has a deleterious effect on protein structure/function; Has not been previously published as pathogenic or benign to our knowledge